The following is an entry in ClinVar:

ClinVar aggregate classification (germline): Uncertain significance. Review status: criteria provided, multiple submitters, no conflicts (2 of 4 stars). 3 submissions from 3 submitters: Uncertain significance (3). Last evaluated 2026-09-15.

Conditions:
CNNM4-related disorder. Also called: CNNM4-related condition.

gnomAD v4.1: 113 of 1,613,934 alleles (0.007%); highest among the groups gnomAD compares: Non-Finnish European, 0.0093%; no homozygotes.

Submissions (3):

PreventionGenetics, part of Exact Sciences
Classification: Uncertain significance for CNNM4-related condition. Last evaluated: 2026-09-15. Review status: criteria provided, single submitter. Criteria: ACMG Guidelines, 2015. Collection method: clinical testing. Allele origin: germline.
Comment: The CNNM4 c.1660G>T variant is predicted to result in the amino acid substitution p.Ala554Ser. This variant was reported in the heterozygous state in an individual with macular dystrophy, although a second potentially causative variant was not identified (Stephenson et al. 2022. PubMed ID: 35055178). This variant is reported in 0.0093% of alleles in individuals of European (Non-Finnish) descent in gnomAD. At this time, the clinical significance of this variant is uncertain due to the absence of conclusive functional and genetic evidence.

Blueprint Genetics
Classification: Uncertain significance. Last evaluated: 2024-10-03. Review status: criteria provided, single submitter. Criteria: ACMG Guidelines, 2015. Collection method: clinical testing. Allele origin: germline.

Labcorp Genetics (formerly Invitae), Labcorp
Classification: Uncertain significance. Last evaluated: 2022-08-01. Review status: criteria provided, single submitter. Criteria: Invitae Variant Classification Sherloc (09022015). Collection method: clinical testing. Allele origin: germline.
Comment: This sequence change replaces alanine, which is neutral and non-polar, with serine, which is neutral and polar, at codon 554 of the CNNM4 protein (p.Ala554Ser). This variant is present in population databases (rs764294792, gnomAD 0.009%). This variant has not been reported in the literature in individuals affected with CNNM4-related conditions. ClinVar contains an entry for this variant (Variation ID: 1518188). Algorithms developed to predict the effect of missense changes on protein structure and function are either unavailable or do not agree on the potential impact of this missense change (SIFT: "Tolerated"; PolyPhen-2: "Possibly Damaging"; Align-GVGD: "Class C0"). In summary, the available evidence is currently insufficient to determine the role of this variant in disease. Therefore, it has been classified as a Variant of Uncertain Significance.

NM_020184.4(CNNM4):c.1660G>T (p.Ala554Ser)

Gene: CNNM4 (cyclin and CBS domain divalent metal cation transport mediator 4; plus strand). Cytogenetic location: 2q11.2.
Variant type: single nucleotide variant.
Coding change: c.1660G>T on transcript NM_020184.4 (MANE Select); coding-DNA position 1660, G replaced by T.
Protein change: p.Ala554Ser; replaces alanine 554 with serine.
Molecular consequence: missense variant.
Genome position (GRCh38, 1-based): chr2:96,797,626, G>T. VCF-style: chr2-96797626-G-T. GRCh37 (hg19) VCF-style: chr2-97463363-G-T.
Other names: c.1660G>T (NM_020184.3); short protein forms A554S.
Identifiers: ClinVar variation 1518188 (VCV001518188.7), dbSNP rs764294792, ClinGen allele CA1783418.